The following is an entry in ClinVar:

NM_001184880.2(PCDH19):c.1159C>G (p.Arg387Gly)

Gene: PCDH19 (protocadherin 19; minus strand). Cytogenetic location: Xq22.1.
Variant type: single nucleotide variant.
Coding change: c.1159C>G on transcript NM_001184880.2 (MANE Select); coding-DNA position 1159, C replaced by G.
Protein change: p.Arg387Gly; replaces arginine 387 with glycine.
Molecular consequence: missense variant.
Genome position (GRCh38, 1-based): chrX:100,407,439, G>C on the plus strand (C>G on the coding strand, the complement: PCDH19 is on the minus strand). VCF-style: chrX-100407439-G-C. GRCh37 (hg19) VCF-style: chrX-99662437-G-C.
Other names: c.1159C>G, p.Arg387Gly (NM_001105243.2, NM_020766.3); short protein forms R387G.
Identifiers: ClinVar variation 2507367 (VCV002507367.1), dbSNP rs201266898, ClinGen allele CA10468914.

ClinVar aggregate classification (germline): Uncertain significance (1 of 4 stars; one submission).

Allele frequency attached by ClinVar (database versions not stated): gnomAD exomes below 0.00001; ExAC 0.00001.
gnomAD v4.1: 3 of 1,211,965 alleles (0.00025%); highest among the groups gnomAD compares: Non-Finnish European, 0.00033%; no homozygotes.

Submission:

GeneDx
Classification: Uncertain significance. Last evaluated: 2022-12-31. Review status: criteria provided, single submitter. Criteria: GeneDx Variant Classification Process June 2021. Collection method: clinical testing. Allele origin: germline. Affected: yes.
Comment: Not observed at significant frequency in large population cohorts (gnomAD); Missense variants in this gene are often considered pathogenic (HGMD); In silico analysis supports that this missense variant has a deleterious effect on protein structure/function; Has not been previously published as pathogenic or benign to our knowledge